The following is an entry in ClinVar:

ClinVar aggregate classification (germline): Likely benign. Review status: criteria provided, single submitter (1 of 4 stars). 2 submissions from 2 submitters: Likely benign (1). 1 of the submissions does not count toward it. Last evaluated 2021-09-16.

Conditions:
LRTOMT-related disorder. Also called: LRTOMT-related condition.

Allele frequency attached by ClinVar (database versions not stated): gnomAD 0.00006 and 0.00007; gnomAD exomes 0.00011 and 0.00059; TOPMed 0.00022; ExAC 0.00058.
gnomAD v4.1: 169 of 1,614,008 alleles (0.01%); highest among the groups gnomAD compares: Admixed American, 0.28%; 1 homozygote.

Submissions (2):

GeneDx
Classification: Likely benign. Last evaluated: 2021-09-16. Review status: criteria provided, single submitter. Criteria: GeneDx Variant Classification Process June 2021. Collection method: clinical testing. Allele origin: germline. Affected: yes.

PreventionGenetics, part of Exact Sciences
Classification: Likely benign for LRTOMT-related condition. Last evaluated: 2023-09-22. Review status: no assertion criteria provided. Collection method: clinical testing. Allele origin: germline. Not counted in ClinVar's aggregate classification.
Comment: This variant is classified as likely benign based on ACMG/AMP sequence variant interpretation guidelines (Richards et al. 2015 PMID: 25741868, with internal and published modifications).

NM_145309.6(LRRC51):c.52T>C (p.Tyr18His)

Genes: LRRC51 (leucine rich repeat containing 51; plus strand), LRTOMT (leucine rich transmembrane and O-methyltransferase domain containing; plus strand). Cytogenetic location: 11q13.4.
Variant type: single nucleotide variant.
Coding change: c.52T>C on transcript NM_145309.6 (MANE Select); coding-DNA position 52, T replaced by C.
Protein change: p.Tyr18His; replaces tyrosine 18 with histidine.
Molecular consequence: missense variant. On other transcripts: non-coding transcript variant (1), 5 prime UTR variant (2), intron variant (2).
Genome position (GRCh38, 1-based): chr11:72,089,135, T>C. VCF-style: chr11-72089135-T-C. GRCh37 (hg19) VCF-style: chr11-71800181-T-C.
Other names: c.52T>C, p.Tyr18His (NM_001145307.5, NM_001271471.3, NM_001318803.2); c.-352T>C (NM_001145309.4, NM_001145310.4); c.-321-4361T>C (NM_001145308.5); c.28+755T>C (NM_001205138.4); short protein forms Y18H.
Identifiers: ClinVar variation 1344959 (VCV001344959.4), dbSNP rs567661192, ClinGen allele CA6168105.